The following is an entry in ClinVar:

NM_012062.5(DNM1L):c.456G>T (p.Lys152Asn)

Gene: DNM1L (dynamin 1 like; plus strand). Cytogenetic location: 12p11.21.
Variant type: single nucleotide variant.
Coding change: c.456G>T on transcript NM_012062.5 (MANE Select); coding-DNA position 456, G replaced by T.
Protein change: p.Lys152Asn; replaces lysine 152 with asparagine.
Molecular consequence: missense variant. On other transcripts: intron variant (1).
Genome position (GRCh38, 1-based): chr12:32,711,015, G>T. VCF-style: chr12-32711015-G-T. GRCh37 (hg19) VCF-style: chr12-32863949-G-T.
Other names: c.456G>T, p.Lys152Asn (NM_001278463.2, NM_005690.5, NM_012063.4); c.495G>T, p.Lys165Asn (NM_001278464.2, NM_001278465.2, NM_001330380.2); c.131+3602G>T (NM_001278466.2); short protein forms K152N, K165N.
Identifiers: ClinVar variation 2692372 (VCV002692372.2), dbSNP rs2541008096, ClinGen allele CA384367059.

ClinVar aggregate classification (germline): Uncertain significance (1 of 4 stars; one submission).

Conditions:
Encephalopathy, lethal, due to defective mitochondrial peroxisomal fission 1. Identifiers: Orphanet 330050, MedGen C3280660, MONDO:0013726, OMIM 614388.

Allele frequency attached by ClinVar (database versions not stated): gnomAD exomes below 0.00001.
gnomAD v4.1: 1 of 1,613,398 alleles (0.000062%); highest among the groups gnomAD compares: Non-Finnish European, 0.000085%; no homozygotes.

Submission:

Institute of Human Genetics, University of Leipzig Medical Center
Classification: Uncertain significance for Encephalopathy, lethal, due to defective mitochondrial peroxisomal fission 1. Last evaluated: 2024-01-24. Review status: criteria provided, single submitter. Criteria: ACMG Guidelines, 2015. Collection method: clinical testing. Allele origin: unknown. Inheritance: Autosomal dominant inheritance. Affected: yes.
Comment: Criteria applied: PM2_SUP,PP2,PP3